The following is an entry in ClinVar:

ClinVar aggregate classification (germline): Pathogenic (1 of 4 stars; one submission).

Conditions:
Retinitis pigmentosa 39 (RP39). Identifiers: Orphanet 791, MedGen C3151138, MONDO:0013436, OMIM 613809.

Allele frequency attached by ClinVar (database versions not stated): gnomAD exomes below 0.00001.
gnomAD v4.1: 1 of 1,613,882 alleles (0.000062%); highest among the groups gnomAD compares: Non-Finnish European, 0.000085%; no homozygotes.

Submission:

Baylor Genetics
Classification: Pathogenic for Retinitis pigmentosa 39. Last evaluated: 2018-05-01. Review status: criteria provided, single submitter. Criteria: ACMG Guidelines, 2015. Collection method: clinical testing. Allele origin: maternal. Affected: yes.
Comment: This variant was determined to be pathogenic according to ACMG Guidelines, 2015 [PMID:25741868]. This variant has been previously reported as disease-causing [PMID 26927203]

Literature cited by the submitters: PubMed 26927203.

NM_206933.4(USH2A):c.4056G>A (p.Trp1352Ter)

Genes: USH2A (usherin; minus strand), USH2A-AS1 (USH2A antisense RNA 1; plus strand). Cytogenetic location: 1q41.
Variant type: single nucleotide variant.
Coding change: c.4056G>A on transcript NM_206933.4 (MANE Select); coding-DNA position 4056, G replaced by A.
Protein change: p.Trp1352Ter; replaces tryptophan 1352 with a stop codon.
Molecular consequence: nonsense.
Genome position (GRCh38, 1-based): chr1:216,198,340, C>T on the plus strand (G>A on the coding strand, the complement: USH2A is on the minus strand). VCF-style: chr1-216198340-C-T. GRCh37 (hg19) VCF-style: chr1-216371682-C-T.
Other names: c.4056G>A, p.Trp1352Ter (NM_007123.6); short protein forms W1352*.
Identifiers: ClinVar variation 1033290 (VCV001033290.1), dbSNP rs2034899344, ClinGen allele CA344866902.